The following is an entry in ClinVar:

NM_024996.7(GFM1):c.424del (p.Val142fs)

Gene: GFM1 (G elongation factor mitochondrial 1; plus strand). Cytogenetic location: 3q25.32.
Variant type: Deletion.
Coding change: c.424del on transcript NM_024996.7 (MANE Select); coding-DNA position 424, one base deleted (G; older notation c.424delG).
Protein change: p.Val142fs; shifts the reading frame from valine 142.
Molecular consequence: frameshift variant. On other transcripts: non-coding transcript variant (3), intron variant (4).
Genome position (GRCh38, 1-based): chr3:158,646,799, G deleted. VCF-style (leftmost placement, unchanged base first): chr3-158646798-AG-A. GRCh37 (hg19) VCF-style: chr3-158364587-AG-A.
Other names: c.424del, p.Val142fs (NM_001308164.2, NM_001308166.2, NM_001374355.1 and 1 more transcripts); c.199del, p.Val67fs (NM_001374357.1); c.5+1018del (NM_001374359.1, NM_001374360.1, NM_001374361.1); c.234+1018del (NM_001374358.1); short protein forms V142fs, V67fs.
Identifiers: ClinVar variation 343924 (VCV000343924.16), dbSNP rs886058120, ClinGen allele CA10615638.

ClinVar aggregate classification (germline): Pathogenic/Likely pathogenic. Review status: criteria provided, multiple submitters, no conflicts (2 of 4 stars). 2 submissions from 2 submitters: Pathogenic (1); Likely pathogenic (1). Last evaluated 2025-04-07.

Conditions:
Hepatoencephalopathy due to combined oxidative phosphorylation defect type 1. Also called: HEPATOENCEPHALOPATHY, EARLY FATAL PROGRESSIVE. Identifiers: Orphanet 137681, MedGen C1836797, MONDO:0012191, OMIM 609060.

Allele frequency attached by ClinVar (database versions not stated): gnomAD 0.00001; TOPMed 0.00001; gnomAD exomes 0.00003.

Submissions (2):

Natera, Inc.
Classification: Likely pathogenic for Combined oxidative phosphorylation deficiency 1. Last evaluated: 2025-04-07. Review status: criteria provided, single submitter. Criteria: Natera Variant Classification Schema (03/2026). Collection method: clinical testing. Allele origin: germline.
Comment: The c.424delG variant in GFM1 is a frameshift variant predicted to shift the reading frame beginning at codon 142 and leads to a stop codon 15 codons downstream. This variant is expected to result in nonsense mediated decay, truncation, or a dysfunctional protein product. This variant is rare in the general population with a frequency below the threshold expected for the associated phenotype(s). Given the available evidence, this variant is classified as Likely Pathogenic.

Labcorp Genetics (formerly Invitae), Labcorp
Classification: Pathogenic. Last evaluated: 2023-08-21. Review status: criteria provided, single submitter. Criteria: Invitae Variant Classification Sherloc (09022015). Collection method: clinical testing. Allele origin: germline.
Comment: For these reasons, this variant has been classified as Pathogenic. ClinVar contains an entry for this variant (Variation ID: 343924). This variant has not been reported in the literature in individuals affected with GFM1-related conditions. This variant is not present in population databases (gnomAD no frequency). This sequence change creates a premature translational stop signal (p.Val142Serfs*15) in the GFM1 gene. It is expected to result in an absent or disrupted protein product. Loss-of-function variants in GFM1 are known to be pathogenic (PMID: 16632485, 17160893).

Literature cited by the submitters: PubMed 16632485 (cited by Labcorp Genetics (formerly Invitae), Labcorp); PubMed 17160893 (cited by Labcorp Genetics (formerly Invitae), Labcorp).